The following is an entry in ClinVar:

NM_015021.3(ZNF292):c.7754C>A (p.Ser2585Tyr)

Gene: ZNF292 (zinc finger protein 292; plus strand). Cytogenetic location: 6q14.3.
Variant type: single nucleotide variant.
Coding change: c.7754C>A on transcript NM_015021.3 (MANE Select); coding-DNA position 7754, C replaced by A.
Protein change: p.Ser2585Tyr; replaces serine 2585 with tyrosine.
Molecular consequence: missense variant.
Genome position (GRCh38, 1-based): chr6:87,261,383, C>A. VCF-style: chr6-87261383-C-A. GRCh37 (hg19) VCF-style: chr6-87971101-C-A.
Other names: c.7334C>A, p.Ser2445Tyr (NM_001351444.2); short protein forms S2445Y, S2585Y.
Identifiers: ClinVar variation 3897135 (VCV003897135.1).

ClinVar aggregate classification (germline): Uncertain significance (1 of 4 stars; one submission).

Submission:

GeneDx
Classification: Uncertain significance. Last evaluated: 2024-11-05. Review status: criteria provided, single submitter. Criteria: GeneDx Variant Classification Process June 2021. Collection method: clinical testing. Allele origin: germline. Affected: yes.
Comment: Not observed at significant frequency in large population cohorts (gnomAD); In silico analysis supports that this missense variant has a deleterious effect on protein structure/function; Has not been previously published as pathogenic or benign to our knowledge